The following is an entry in ClinVar:

NM_001287491.2(TET3):c.1595T>C (p.Leu532Pro)

Gene: TET3 (tet methylcytosine dioxygenase 3; plus strand). Cytogenetic location: 2p13.1.
Variant type: single nucleotide variant.
Coding change: c.1595T>C on transcript NM_001287491.2 (MANE Select); coding-DNA position 1595, T replaced by C.
Protein change: p.Leu532Pro; replaces leucine 532 with proline.
Molecular consequence: missense variant.
Genome position (GRCh38, 1-based): chr2:74,047,512, T>C. VCF-style: chr2-74047512-T-C. GRCh37 (hg19) VCF-style: chr2-74274639-T-C.
Other names: c.1316T>C, p.Leu439Pro (NM_001366022.1); short protein forms L439P, L532P.
Identifiers: ClinVar variation 4887269 (VCV004887269.1).

ClinVar aggregate classification (germline): Uncertain significance (1 of 4 stars; one submission).

gnomAD v4.1: 1 of 1,613,008 alleles (0.000062%); no homozygotes.

Submission:

Women's Health and Genetics/Laboratory Corporation of America, LabCorp
Classification: Uncertain significance. Last evaluated: 2026-06-12. Review status: criteria provided, single submitter. Criteria: LabCorp Variant Classification Summary - May 2015. Collection method: clinical testing. Allele origin: germline.
Comment: Variant summary: TET3 c.1595T>C (p.Leu532Pro) results in a non-conservative amino acid change in the encoded protein sequence. Algorithms developed to predict the effect of missense changes on protein structure and function are either unavailable or do not agree on the potential impact of this missense change. The variant was absent in 248200 control chromosomes. The available data on variant occurrences in the general population are insufficient to allow any conclusion about variant significance. To our knowledge, no occurrence of c.1595T>C in individuals affected with TET3-related conditions and no experimental evidence demonstrating its impact on protein function have been reported. No submitters have cited clinical-significance assessments for this variant to ClinVar. Based on the evidence outlined above, the variant was classified as uncertain significance.